The following is an entry in ClinVar:

NM_002804.5(PSMC3):c.539G>A (p.Arg180Lys)

Gene: PSMC3 (proteasome 26S subunit, ATPase 3; minus strand). Cytogenetic location: 11p11.2.
Variant type: single nucleotide variant.
Coding change: c.539G>A on transcript NM_002804.5 (MANE Select); coding-DNA position 539, G replaced by A.
Protein change: p.Arg180Lys; replaces arginine 180 with lysine.
Molecular consequence: missense variant.
Genome position (GRCh38, 1-based): chr11:47,424,098, C>T on the plus strand (G>A on the coding strand, the complement: PSMC3 is on the minus strand). VCF-style: chr11-47424098-C-T. GRCh37 (hg19) VCF-style: chr11-47445649-C-T.
Other names: short protein forms R180K.
Identifiers: ClinVar variation 4057048 (VCV004057048.1).
Genomic context (GRCh38, chr11:47,424,098, plus strand): 5'-TCCCTCACCTCCTGGATCTGCTTGTCCAAACCCCCAATGTCACTGTATTGCTCCGTGGGC[C>T]TCTCGTCTACCTCCATGGCCTTCACCCGCGAGTCATACTCTGTGGGCAGCGTCTCCAGGA-3'
Protein context (NP_002795.2, residues 170-190): SRVKAMEVDE[Arg180Lys]PTEQYSDIGG

ClinVar aggregate classification (germline): Uncertain significance (1 of 4 stars; one submission).

Submission:

GeneDx
Classification: Uncertain significance. Last evaluated: 2025-01-12. Review status: criteria provided, single submitter. Criteria: GeneDx Variant Classification Process June 2021. Collection method: clinical testing. Allele origin: germline. Affected: yes.
Comment: Not observed at significant frequency in large population cohorts (gnomAD); In silico analysis indicates that this missense variant does not alter protein structure/function; Has not been previously published as pathogenic or benign to our knowledge